The following is an entry in ClinVar:

NM_022765.4(MICAL1):c.1751C>T (p.Pro584Leu)

Gene: MICAL1 (microtubule associated monooxygenase, calponin and LIM domain containing 1; minus strand). Cytogenetic location: 6q21.
Variant type: single nucleotide variant.
Coding change: c.1751C>T on transcript NM_022765.4 (MANE Select); coding-DNA position 1751, C replaced by T.
Protein change: p.Pro584Leu; replaces proline 584 with leucine.
Molecular consequence: missense variant.
Genome position (GRCh38, 1-based): chr6:109,448,307, G>A on the plus strand (C>T on the coding strand, the complement: MICAL1 is on the minus strand). VCF-style: chr6-109448307-G-A. GRCh37 (hg19) VCF-style: chr6-109769510-G-A.
Other names: c.1493C>T, p.Pro498Leu (NM_001159291.2); c.1808C>T, p.Pro603Leu (NM_001286613.2); short protein forms P603L, P584L, P498L.
Identifiers: ClinVar variation 3719435 (VCV003719435.2).
Genomic context (GRCh38, chr6:109,448,307, plus strand): 5'-AGGTAGGCAATGAGGCCCAGTGGGTCACTCCCTGCTACCACGGCCTGTGCAGACACCACC[G>A]GTGTGATGCCCAGCTCATTCTCTGCCACCTTTAGTGCCCAAGCAGTTGCTTCCAGAGCTC-3'
Protein context (NP_073602.3, residues 574-594): KVAENELGIT[Pro584Leu]VVSAQAVVAG

ClinVar aggregate classification (germline): Uncertain significance (1 of 4 stars; one submission).

gnomAD v4.1: 32 of 1,613,870 alleles (0.002%); highest among the groups gnomAD compares: Middle Eastern, 0.016%; no homozygotes.

Submission:

Labcorp Genetics (formerly Invitae), Labcorp
Classification: Uncertain significance. Last evaluated: 2025-03-09. Review status: criteria provided, single submitter. Criteria: Invitae Variant Classification Sherloc (09022015). Collection method: clinical testing. Allele origin: germline.
Comment: This sequence change replaces proline, which is neutral and non-polar, with leucine, which is neutral and non-polar, at codon 603 of the MICAL1 protein (p.Pro603Leu). This variant is present in population databases (rs773448261, gnomAD 0.006%). This variant has not been reported in the literature in individuals affected with MICAL1-related conditions. An algorithm developed to predict the effect of missense changes on protein structure and function (PolyPhen-2) suggests that this variant is likely to be disruptive. In summary, the available evidence is currently insufficient to determine the role of this variant in disease. Therefore, it has been classified as a Variant of Uncertain Significance.